The following is an entry in ClinVar:

ClinVar aggregate classification (germline): Uncertain significance (1 of 4 stars; one submission).

Conditions:
Progressive familial intrahepatic cholestasis type 1. Also called: BYLER DISEASE; Severe ATP8B1 Deficiency (Progressive Familial Intrahepatic Cholestasis Type 1 [PFIC1]); Byler's disease. Identifiers: Orphanet 79306, MedGen C4551898, MONDO:0008892, OMIM 211600.

Submission:

Neuberg Centre For Genomic Medicine, NCGM
Classification: Uncertain significance for Progressive familial intrahepatic cholestasis type 1. Review status: criteria provided, single submitter. Criteria: ACMG Guidelines, 2015. Collection method: clinical testing. Allele origin: germline. Inheritance: Autosomal recessive inheritance. Affected: yes.
Comment: The missense variant in c.1426T>A in ATP8B1 gene has not been reported previously as a pathogenic variant nor as a benign variant, to our knowledge. The p.Tyr476Asn variant is novel (not in any individuals) in gnomAD Exomes and 1000 Genomes. This variant has not been reported to the ClinVar database. The amino acid change p.Tyr476Asn in ATP8B1 is predicted as conserved by GERP++ and PhyloP across 100 vertebrates. The amino acid Tyr at position 476 is changed to a Asn changing protein sequence and it might alter its composition and physico-chemical properties. For these reasons, this variant has been classified as Uncertain Significance (VUS).

NM_001374385.1(ATP8B1):c.1426T>A (p.Tyr476Asn)

Gene: ATP8B1 (ATPase phospholipid transporting 8B1; minus strand). Cytogenetic location: 18q21.31.
Variant type: single nucleotide variant.
Coding change: c.1426T>A on transcript NM_001374385.1 (MANE Select); coding-DNA position 1426, T replaced by A.
Protein change: p.Tyr476Asn; replaces tyrosine 476 with asparagine.
Molecular consequence: missense variant.
Genome position (GRCh38, 1-based): chr18:57,688,302, A>T on the plus strand (T>A on the coding strand, the complement: ATP8B1 is on the minus strand). VCF-style: chr18-57688302-A-T. GRCh37 (hg19) VCF-style: chr18-55355534-A-T.
Other names: c.1276T>A, p.Tyr426Asn (NM_001374386.1); c.1426T>A, p.Tyr476Asn (NM_005603.6); short protein forms Y426N, Y476N.
Identifiers: ClinVar variation 2584925 (VCV002584925.1), dbSNP rs1198572168, ClinGen allele CA402537189.
Genomic context (GRCh38, chr18:57,688,302, plus strand): 5'-CCTGCACACGGCAGGCAGCCCCACTCACCCAGAAAATGAGTGACGGCTTCCACTTACCAT[A>T]TATCTGCCCGTTGATACAGCACTTTTTAAAGGTCATGATATTTTGTGTGAGTGTCCCCGT-3'
Protein context (NP_001361314.1, residues 466-486): FKKCCINGQI[Tyr476Asn]GDHRDASQHN